The following is an entry in ClinVar:

ClinVar aggregate classification (germline): Pathogenic (1 of 4 stars; one submission).

Submission:

Labcorp Genetics (formerly Invitae), Labcorp
Classification: Pathogenic. Last evaluated: 2024-11-03. Review status: criteria provided, single submitter. Criteria: Invitae Variant Classification Sherloc (09022015). Collection method: clinical testing. Allele origin: germline.
Comment: This sequence change creates a premature translational stop signal (p.Gln1727*) in the ZFHX3 gene. It is expected to result in an absent or disrupted protein product. Loss-of-function variants in ZFHX3 are known to be pathogenic (PMID: 38412861). This variant is not present in population databases (gnomAD no frequency). This variant has not been reported in the literature in individuals affected with ZFHX3-related conditions. For these reasons, this variant has been classified as Pathogenic.

Literature cited by the submitters: PubMed 38412861.

NM_006885.4(ZFHX3):c.5179C>T (p.Gln1727Ter)

Genes: ZFHX3 (zinc finger homeobox 3; minus strand), ZFHX3-AS1 (ZFHX3 antisense RNA 1; plus strand). Cytogenetic location: 16q22.2.
Variant type: single nucleotide variant.
Coding change: c.5179C>T on transcript NM_006885.4 (MANE Select); coding-DNA position 5179, C replaced by T.
Protein change: p.Gln1727Ter; replaces glutamine 1727 with a stop codon.
Molecular consequence: nonsense.
Genome position (GRCh38, 1-based): chr16:72,797,503, G>A on the plus strand (C>T on the coding strand, the complement: ZFHX3 is on the minus strand). VCF-style: chr16-72797503-G-A. GRCh37 (hg19) VCF-style: chr16-72831402-G-A.
Other names: c.2437C>T, p.Gln813Ter (NM_001164766.2); c.5179C>T, p.Gln1727Ter (NM_001386735.1); short protein forms Q1727*, Q813*.
Identifiers: ClinVar variation 3724519 (VCV003724519.2).